The following is an entry in ClinVar:

NM_000051.4(ATM):c.1621T>G (p.Cys541Gly)

Gene: ATM (ATM serine/threonine kinase; plus strand). Cytogenetic location: 11q22.3.
Variant type: single nucleotide variant.
Coding change: c.1621T>G on transcript NM_000051.4 (MANE Select); coding-DNA position 1621, T replaced by G.
Protein change: p.Cys541Gly; replaces cysteine 541 with glycine.
Molecular consequence: missense variant.
Genome position (GRCh38, 1-based): chr11:108,251,850, T>G. VCF-style: chr11-108251850-T-G. GRCh37 (hg19) VCF-style: chr11-108122577-T-G.
Other names: c.1621T>G, p.Cys541Gly (NM_001351834.2); short protein forms C541G.
Identifiers: ClinVar variation 1692478 (VCV001692478.2), dbSNP rs2080164132, ClinGen allele CA382534496.

ClinVar aggregate classification (germline): Uncertain significance. Review status: criteria provided, multiple submitters, no conflicts (2 of 4 stars). 2 submissions from 2 submitters: Uncertain significance (2). Last evaluated 2024-11-02.

Conditions:
Hereditary cancer-predisposing syndrome. Also called: Hereditary Cancer Syndrome; Hereditary neoplastic syndrome; Neoplastic Syndromes, Hereditary; Tumor predisposition. Identifiers: Orphanet 140162, MedGen C0027672, MeSH D009386, MONDO:0015356.

Submissions (2):

Ambry Genetics
Classification: Uncertain significance for Hereditary cancer-predisposing syndrome. Last evaluated: 2024-11-02. Review status: criteria provided, single submitter. Criteria: Ambry Variant Classification Scheme 2023. Collection method: clinical testing. Allele origin: germline.
Comment: The p.C541G variant (also known as c.1621T>G), located in coding exon 10 of the ATM gene, results from a T to G substitution at nucleotide position 1621. The cysteine at codon 541 is replaced by glycine, an amino acid with highly dissimilar properties. This amino acid position is conserved. In addition, the in silico prediction for this alteration is inconclusive. Based on the available evidence, the clinical significance of this variant remains unclear.

Sema4
Classification: Uncertain significance for Hereditary cancer-predisposing syndrome. Last evaluated: 2021-08-31. Review status: criteria provided, single submitter. Criteria: Sema4 Curation Guidelines. Collection method: curation. Allele origin: germline.
Comment: The ATM c.1621T>G (p.C541G) variant has not been reported in the literature to our knowledge. It was not observed in the large and broad cohorts of the Genome Aggregation Database (PMID: 32461654). The variant has not been reported in ClinVar. Functional studies have not been performed, and in silico predictions of the variant's effect on protein function are inconclusive. The evidence is insufficient to meet ACMG/AMP criteria for classifying the variant as benign or pathogenic. Thus, the clinical significance of this variant is currently uncertain.